The following is an entry in ClinVar:

ClinVar aggregate classification (germline): Uncertain significance. Review status: criteria provided, multiple submitters, no conflicts (2 of 4 stars). 3 submissions from 3 submitters: Uncertain significance (3). Last evaluated 2025-07-23.

Conditions:
Growth hormone insensitivity syndrome with immune dysregulation 2, autosomal dominant. Identifiers: MedGen C5436546, MONDO:0100219, OMIM 618985.
Growth hormone insensitivity with immune dysregulation 1, autosomal recessive. Also called: Laron syndrome with immunodeficiency; GROWTH HORMONE INSENSITIVITY DUE TO POSTRECEPTOR DEFECT; LARON SYNDROME DUE TO POSTRECEPTOR DEFECT; GROWTH HORMONE INSENSITIVITY SYNDROME WITH IMMUNE DYSREGULATION 1, AUTOSOMAL RECESSIVE. Identifiers: Orphanet 220465, MedGen C5435698, MONDO:0100211, OMIM 245590.
Inborn genetic diseases. Identifiers: MedGen C0950123, MeSH D030342.

Allele frequency attached by ClinVar (database versions not stated): gnomAD exomes 0.00001; ExAC 0.00002; gnomAD 0.00009 and 0.00010; TOPMed 0.00011.
gnomAD v4.1: 28 of 1,612,648 alleles (0.0017%); highest among the groups gnomAD compares: African/African-American, 0.033%; no homozygotes.

Submissions (3):

Labcorp Genetics (formerly Invitae), Labcorp
Classification: Uncertain significance for Growth hormone insensitivity with immune dysregulation 1, autosomal recessive. Last evaluated: 2025-07-23. Review status: criteria provided, single submitter. Criteria: Invitae Variant Classification Sherloc (09022015). Collection method: clinical testing. Allele origin: germline.
Comment: This sequence change replaces serine, which is neutral and polar, with threonine, which is neutral and polar, at codon 556 of the STAT5B protein (p.Ser556Thr). This variant is present in population databases (rs777627496, gnomAD 0.02%). This variant has not been reported in the literature in individuals affected with STAT5B-related conditions. ClinVar contains an entry for this variant (Variation ID: 955195). Invitae Evidence Modeling of protein sequence and biophysical properties (such as structural, functional, and spatial information, amino acid conservation, physicochemical variation, residue mobility, and thermodynamic stability) indicates that this missense variant is not expected to disrupt STAT5B protein function with a negative predictive value of 80%. In summary, the available evidence is currently insufficient to determine the role of this variant in disease. Therefore, it has been classified as a Variant of Uncertain Significance.

Ambry Genetics
Classification: Uncertain significance for Inborn genetic diseases. Last evaluated: 2024-09-02. Review status: criteria provided, single submitter. Criteria: Ambry Variant Classification Scheme 2023. Collection method: clinical testing. Allele origin: germline.

Fulgent Genetics
Classification: Uncertain significance for Growth hormone insensitivity with immune dysregulation 1, autosomal recessive; Growth hormone insensitivity syndrome with immune dysregulation 2, autosomal dominant. Last evaluated: 2021-07-14. Review status: criteria provided, single submitter. Criteria: ACMG Guidelines, 2015. Collection method: clinical testing. Allele origin: unknown.

NM_012448.4(STAT5B):c.1666T>A (p.Ser556Thr)

Gene: STAT5B (signal transducer and activator of transcription 5B; minus strand). Cytogenetic location: 17q21.2.
Variant type: single nucleotide variant.
Coding change: c.1666T>A on transcript NM_012448.4 (MANE Select); coding-DNA position 1666, T replaced by A.
Protein change: p.Ser556Thr; replaces serine 556 with threonine.
Molecular consequence: missense variant.
Genome position (GRCh38, 1-based): chr17:42,211,998, A>T on the plus strand (T>A on the coding strand, the complement: STAT5B is on the minus strand). VCF-style: chr17-42211998-A-T. GRCh37 (hg19) VCF-style: chr17-40364016-A-T.
Other names: short protein forms S556T.
Identifiers: ClinVar variation 955195 (VCV000955195.12), dbSNP rs777627496, ClinGen allele CA8573986.
Genomic context (GRCh38, chr17:42,211,998, plus strand): 5'-GTTGGGAAGGACTGATCTAACAGCGGCTGGCAGCTGGGCTCCTCACCCTGTTGAACTGGG[A>T]CCAGGACACAGACAGGCCACTGTAGTCCTCCAGGTGGCTGCTGCTGTTGTTGAACAGTTT-3'
Protein context (NP_036580.2, residues 546-566): EDYSGLSVSW[Ser556Thr]QFNRENLPGR